The following is an entry in ClinVar:

NM_000104.4(CYP1B1):c.1080G>A (p.Leu360=)

Gene: CYP1B1 (cytochrome P450 family 1 subfamily B member 1; minus strand). Cytogenetic location: 2p22.2.
Variant type: single nucleotide variant.
Coding change: c.1080G>A on transcript NM_000104.4 (MANE Select); coding-DNA position 1080, G replaced by A.
Protein change: p.Leu360=; no amino-acid change (leucine 360 retained).
Molecular consequence: synonymous variant.
Genome position (GRCh38, 1-based): chr2:38,071,274, C>T on the plus strand (G>A on the coding strand, the complement: CYP1B1 is on the minus strand). VCF-style: chr2-38071274-C-T. GRCh37 (hg19) VCF-style: chr2-38298417-C-T.
Other names: NM_000104.4:c.1080G>A.
Identifiers: ClinVar variation 5018481 (VCV005018481.1).

ClinVar aggregate classification (germline): Uncertain significance (3 of 4 stars; one submission).

Conditions:
CYP1B1-related glaucoma with or without anterior segment dysgenesis. Identifiers: MedGen CN375931, MONDO:0800472.

gnomAD v4.1: 1 of 1,613,032 alleles (0.000062%); highest among the groups gnomAD compares: East Asian, 0.0022%; no homozygotes.

Submission:

ClinGen Glaucoma Variant Curation Expert Panel
Classification: Uncertain significance for CYP1B1-related glaucoma with or without anterior segment dysgenesis. Last evaluated: 2026-10-12. Review status: reviewed by expert panel. Criteria: ClinGen Glaucoma ACMG Specifications CYP1B1 V2.0. Collection method: curation. Allele origin: germline. Inheritance: Autosomal recessive inheritance.
Comment: The c.1080G>A variant in CYP1B1 is a synonymous variant (p.Leu360=). The highest minor allele frequency of this variant was in the East Asian genetic ancestry group of gnomAD (v4.1) = 0.00002228 (1 allele out of 44,880), which met the ≤ 0.0005 threshold set for PM2_Supporting in a genetic ancestry group of at least 2,000 alleles. The SpliceAI score = 0.03, which met the ≤ 0.1 threshold for BP4, suggesting that the variant does not impact CYP1B1 function. This synonymous variant is located outside of the first and the last 3 bases of the exon and BP4 is met, so BP7 is met. There was no functional evidence predicting a damaging or benign impact of this variant on CYP1B1 function. This variant has been identified in an individual with a CYP1B1-related phenotype, however BP4 is met, therefore PM3 was not assessed. In summary, this variant met the criteria to receive a score of -1 and to be classified as a variant of uncertain significance (uncertain significance classification range -1 to 5, adapted from PMID: 32720330) for CYP1B1-related glaucoma with or without anterior segment dysgenesis (ASD) based on the ACMG/AMP criteria met, as specified by the ClinGen Glaucoma VCEP (v2.0, 16.07.2026): BP4, BP7, PM2_Supporting.